The following is an entry in ClinVar:

NM_001165963.4(SCN1A):c.4249A>C (p.Asn1417His)

Genes: SCN1A (sodium voltage-gated channel alpha subunit 1; minus strand), LOC102724058 (uncharacterized LOC102724058; plus strand). Cytogenetic location: 2q24.3.
Variant type: single nucleotide variant.
Coding change: c.4249A>C on transcript NM_001165963.4 (MANE Select); coding-DNA position 4249, A replaced by C.
Protein change: p.Asn1417His; replaces asparagine 1417 with histidine.
Molecular consequence: missense variant. On other transcripts: non-coding transcript variant (1).
Genome position (GRCh38, 1-based): chr2:166,002,507, T>G on the plus strand (A>C on the coding strand, the complement: SCN1A is on the minus strand). VCF-style: chr2-166002507-T-G. GRCh37 (hg19) VCF-style: chr2-166859017-T-G.
Other names: c.4165A>C, p.Asn1389His (NM_001165964.3, NM_001353957.2, NM_001353958.2); c.4249A>C, p.Asn1417His (NM_001202435.3, NM_001353948.2); c.4162A>C, p.Asn1388His (NM_001353960.2); c.1807A>C, p.Asn603His (NM_001353961.2); c.4216A>C, p.Asn1406His (NM_006920.6, NM_001353949.2, NM_001353950.2 and 2 more transcripts); c.4213A>C, p.Asn1405His (NM_001353954.2, NM_001353955.2); short protein forms N1405H, N1406H, N1417H, N603H, N1389H, N1388H.
Identifiers: ClinVar variation 3634015 (VCV003634015.2).

ClinVar aggregate classification (germline): Likely pathogenic (1 of 4 stars; one submission).

Conditions:
Early-infantile DEE. Also called: Early infantile epileptic encephalopathy; Ohtahara syndrome; Early infantile epileptic encephalopathy with suppression bursts. Identifiers: Orphanet 1934, MedGen C0393706, MONDO:0800491.

gnomAD v4.1: 1 of 1,611,576 alleles (0.000062%); highest among the groups gnomAD compares: Non-Finnish European, 0.000085%; no homozygotes.

Submission:

Labcorp Genetics (formerly Invitae), Labcorp
Classification: Likely pathogenic for Early-infantile DEE. Last evaluated: 2024-02-23. Review status: criteria provided, single submitter. Criteria: Invitae Variant Classification Sherloc (09022015). Collection method: clinical testing. Allele origin: germline.
Comment: This sequence change replaces asparagine, which is neutral and polar, with histidine, which is basic and polar, at codon 1417 of the SCN1A protein (p.Asn1417His). This variant is not present in population databases (gnomAD no frequency). This missense change has been observed in individual(s) with clinical features of SCN1A-related conditions (Invitae). Advanced modeling of protein sequence and biophysical properties (such as structural, functional, and spatial information, amino acid conservation, physicochemical variation, residue mobility, and thermodynamic stability) performed at Invitae indicates that this missense variant is expected to disrupt SCN1A protein function with a positive predictive value of 95%. Experimental studies have shown that this missense change affects SCN1A function (PMID: 20410126, 20707984, 20875856). This variant disrupts the p.Asn1417 amino acid residue in SCN1A. Other variant(s) that disrupt this residue have been observed in individuals with SCN1A-related conditions (PMID: 21248271), which suggests that this may be a clinically significant amino acid residue. In summary, the currently available evidence indicates that the variant is pathogenic, but additional data are needed to prove that conclusively. Therefore, this variant has been classified as Likely Pathogenic.

Literature cited by the submitters: PubMed 20410126; PubMed 20707984; PubMed 20875856; PubMed 21248271.